The following is an entry in ClinVar:

ClinVar aggregate classification (germline): Uncertain significance (1 of 4 stars; one submission).

Conditions:
Wilms tumor 1 (WT1). Also called: Wilms tumor, somatic. Identifiers: Orphanet 654, MedGen CN033288, MONDO:0008679, OMIM 194070.

Submission:

Labcorp Genetics (formerly Invitae), Labcorp
Classification: Uncertain significance for Wilms tumor 1. Last evaluated: 2022-05-20. Review status: criteria provided, single submitter. Criteria: Invitae Variant Classification Sherloc (09022015). Collection method: clinical testing. Allele origin: germline.
Comment: In summary, the available evidence is currently insufficient to determine the role of this variant in disease. Therefore, it has been classified as a Variant of Uncertain Significance. This sequence change replaces asparagine, which is neutral and polar, with serine, which is neutral and polar, at codon 132 of the GPC3 protein (p.Asn132Ser). This variant is not present in population databases (gnomAD no frequency). This variant has not been reported in the literature in individuals affected with GPC3-related conditions. Algorithms developed to predict the effect of missense changes on protein structure and function (SIFT, PolyPhen-2, Align-GVGD) all suggest that this variant is likely to be tolerated.

NM_004484.4(GPC3):c.395A>G (p.Asn132Ser)

Gene: GPC3 (glypican 3; minus strand). Cytogenetic location: Xq26.2.
Variant type: single nucleotide variant.
Coding change: c.395A>G on transcript NM_004484.4 (MANE Select); coding-DNA position 395, A replaced by G.
Protein change: p.Asn132Ser; replaces asparagine 132 with serine.
Molecular consequence: missense variant.
Genome position (GRCh38, 1-based): chrX:133,754,119, T>C on the plus strand (A>G on the coding strand, the complement: GPC3 is on the minus strand). VCF-style: chrX-133754119-T-C. GRCh37 (hg19) VCF-style: chrX-132888146-T-C.
Other names: c.395A>G, p.Asn132Ser (NM_001164617.2); c.347A>G, p.Asn116Ser (NM_001164618.2); c.233A>G, p.Asn78Ser (NM_001164619.2); short protein forms N132S, N116S, N78S.
Identifiers: ClinVar variation 1429279 (VCV001429279.8), dbSNP rs2124480870, ClinGen allele CA414706734.